The following is an entry in ClinVar:

NM_001876.4(CPT1A):c.1070G>A (p.Arg357Gln)

Gene: CPT1A (carnitine palmitoyltransferase 1A; minus strand). Cytogenetic location: 11q13.3.
Variant type: single nucleotide variant.
Coding change: c.1070G>A on transcript NM_001876.4 (MANE Select); coding-DNA position 1070, G replaced by A.
Protein change: p.Arg357Gln; replaces arginine 357 with glutamine.
Molecular consequence: missense variant.
Genome position (GRCh38, 1-based): chr11:68,784,908, C>T on the plus strand (G>A on the coding strand, the complement: CPT1A is on the minus strand). VCF-style: chr11-68784908-C-T. GRCh37 (hg19) VCF-style: chr11-68552376-C-T.
Other names: c.1070G>A, p.Arg357Gln (NM_001031847.3); short protein forms R357Q.
Identifiers: ClinVar variation 2146767 (VCV002146767.1), dbSNP rs776195624, ClinGen allele CA6152423.
Genomic context (GRCh38, chr11:68,784,908, plus strand): 5'-TCCCCGGGCTGAGGCTCCGAGGTATTGTCCAGGATCCTCTGCATCTGCTGCTCCATCTCC[C>T]GGGGCTTCAGCAGCCGCCCATCATGGTAGAGCCAGACCTTGAAGTAGCGTCCTCGATGGT-3'
Protein context (NP_001867.2, residues 347-367): LYHDGRLLKP[Arg357Gln]EMEQQMQRIL

ClinVar aggregate classification (germline): Uncertain significance (1 of 4 stars; one submission).

Conditions:
Carnitine palmitoyl transferase 1A deficiency. Also called: Carnitine palmitoyltransferase 1A deficiency; CPT I DEFICIENCY; CPT DEFICIENCY, HEPATIC, TYPE I; CPT deficiency, hepatic, type IA; Carnitine palmitoyltransferase type I deficiency. Identifiers: Orphanet 156, MedGen C1829703, MONDO:0009705, OMIM 255120.

Allele frequency attached by ClinVar (database versions not stated): gnomAD exomes 0.00002; TOPMed 0.00002; ExAC 0.00003; gnomAD 0.00005.
gnomAD v4.1: 30 of 1,613,982 alleles (0.0019%); highest among the groups gnomAD compares: African/African-American, 0.0053%; no homozygotes.

Submission:

Labcorp Genetics (formerly Invitae), Labcorp
Classification: Uncertain significance for Carnitine palmitoyl transferase 1A deficiency. Last evaluated: 2022-04-29. Review status: criteria provided, single submitter. Criteria: Invitae Variant Classification Sherloc (09022015). Collection method: clinical testing. Allele origin: germline.
Comment: This sequence change replaces arginine, which is basic and polar, with glutamine, which is neutral and polar, at codon 357 of the CPT1A protein (p.Arg357Gln). This variant is present in population databases (rs776195624, gnomAD 0.01%). This variant has not been reported in the literature in individuals affected with CPT1A-related conditions. Algorithms developed to predict the effect of missense changes on protein structure and function (SIFT, PolyPhen-2, Align-GVGD) all suggest that this variant is likely to be tolerated. This variant disrupts the p.Arg357 amino acid residue in CPT1A. Other variant(s) that disrupt this residue have been determined to be pathogenic (PMID: 11441142). This suggests that this residue is clinically significant, and that variants that disrupt this residue are likely to be disease-causing. In summary, the available evidence is currently insufficient to determine the role of this variant in disease. Therefore, it has been classified as a Variant of Uncertain Significance.

Literature cited by the submitters: PubMed 11441142.